The following is an entry in ClinVar:

ClinVar aggregate classification (germline): Uncertain significance (1 of 4 stars; one submission).

Conditions:
POLD1-related polyposis and colorectal cancer syndrome (CRCS10). Also called: COLORECTAL CANCER, SUSCEPTIBILITY TO, ON CHROMOSOME 19q; Colorectal cancer 10; Colorectal cancer, susceptibility to, 10. Identifiers: Orphanet 220460, MedGen C2675481, MONDO:0012953, OMIM 612591.

Submission:

Labcorp Genetics (formerly Invitae), Labcorp
Classification: Uncertain significance for POLD1-related polyposis and colorectal cancer syndrome. Last evaluated: 2025-12-10. Review status: criteria provided, single submitter. Criteria: Invitae Variant Classification Sherloc (09022015). Collection method: clinical testing. Allele origin: germline.
Comment: This variant, c.115_120dup, results in the insertion of 2 amino acid(s) of the POLD1 protein (p.Ala39_Leu40dup), but otherwise preserves the integrity of the reading frame. This variant is not present in population databases (gnomAD no frequency). This variant has not been reported in the literature in individuals affected with POLD1-related conditions. In summary, the available evidence is currently insufficient to determine the role of this variant in disease. Therefore, it has been classified as a Variant of Uncertain Significance.

NM_002691.4(POLD1):c.115_120dup (p.Leu40_Met41insAlaLeu)

Gene: POLD1 (DNA polymerase delta 1, catalytic subunit; plus strand). Cytogenetic location: 19q13.33.
Variant type: Duplication.
Coding change: c.115_120dup on transcript NM_002691.4 (MANE Select); coding-DNA positions 115 to 120, 6 bases duplicated (GCACTG; older notation c.115_120dupGCACTG).
Protein change: p.Leu40_Met41insAlaLeu.
Molecular consequence: inframe insertion. On other transcripts: non-coding transcript variant (1).
Genome position (GRCh38, 1-based): chr19:50,398,966-50,398,971, GCACTG duplicated; duplicating any 6 consecutive bases within chr19:50,398,963-50,398,971 gives the same sequence; the c. name uses the placement nearest the transcript's 3' end. VCF-style (leftmost placement, unchanged base first): chr19-50398962-C-CCTGGCA. GRCh37 (hg19) VCF-style: chr19-50902219-C-CCTGGCA.
Other names: c.115_120dup, p.Leu40_Met41insAlaLeu (NM_001256849.1, NM_001308632.1, NM_001438210.1 and 3 more transcripts).
Identifiers: ClinVar variation 4732886 (VCV004732886.1).